The following is an entry in ClinVar:

ClinVar aggregate classification (germline): Uncertain significance (1 of 4 stars; one submission).

Conditions:
Pancreatic adenocarcinoma. Identifiers: MedGen C0281361, MONDO:0006047, HP:0006725.

Submission:

Labcorp Genetics (formerly Invitae), Labcorp
Classification: Uncertain significance for Pancreatic adenocarcinoma. Last evaluated: 2020-01-08. Review status: criteria provided, single submitter. Criteria: Invitae Variant Classification Sherloc (09022015). Collection method: clinical testing. Allele origin: germline.
Comment: In summary, the available evidence is currently insufficient to determine the role of this variant in disease. Therefore, it has been classified as a Variant of Uncertain Significance. Algorithms developed to predict the effect of sequence changes on RNA splicing suggest that this variant may create or strengthen a splice site, but this prediction has not been confirmed by published transcriptional studies. Algorithms developed to predict the effect of missense changes on protein structure and function output the following: SIFT: "Deleterious"; PolyPhen-2: "Benign"; Align-GVGD: "Class C25". The threonine amino acid residue is found in multiple mammalian species, suggesting that this missense change does not adversely affect protein function. These predictions have not been confirmed by published functional studies and their clinical significance is uncertain. This variant has not been reported in the literature in individuals with PALLD-related conditions. This variant is not present in population databases (ExAC no frequency). This sequence change replaces isoleucine with threonine at codon 498 of the PALLD protein (p.Ile498Thr). The isoleucine residue is highly conserved and there is a moderate physicochemical difference between isoleucine and threonine.

NM_001166108.2(PALLD):c.3005T>C (p.Ile1002Thr)

Genes: CBR4 (carbonyl reductase 4; minus strand), PALLD (palladin, cytoskeletal associated protein; plus strand). Cytogenetic location: 4q32.3.
Variant type: single nucleotide variant.
Coding change: c.3005T>C on transcript NM_001166108.2 (MANE Select); coding-DNA position 3005, T replaced by C.
Protein change: p.Ile1002Thr; replaces isoleucine 1002 with threonine.
Molecular consequence: missense variant.
Genome position (GRCh38, 1-based): chr4:168,921,688, T>C. VCF-style: chr4-168921688-T-C. GRCh37 (hg19) VCF-style: chr4-169842839-T-C.
Other names: c.1808T>C, p.Ile603Thr (NM_001166109.2); c.1493T>C, p.Ile498Thr (NM_001166110.2); c.833T>C, p.Ile278Thr (NM_001367567.1, NM_001367569.1); c.884T>C, p.Ile295Thr (NM_001367568.1, NM_001367570.1); c.2954T>C, p.Ile985Thr (NM_016081.4); short protein forms I278T, I603T, I1002T, I295T, I498T, I985T.
Identifiers: ClinVar variation 949497 (VCV000949497.9), dbSNP rs1761543823, ClinGen allele CA358709508.